The following is an entry in ClinVar:

NM_001042750.2(STAG2):c.1618G>A (p.Gly540Arg)

Gene: STAG2 (STAG2 cohesin complex component; plus strand). Cytogenetic location: Xq25.
Variant type: single nucleotide variant.
Coding change: c.1618G>A on transcript NM_001042750.2 (MANE Select); coding-DNA position 1618, G replaced by A.
Protein change: p.Gly540Arg; replaces glycine 540 with arginine.
Molecular consequence: missense variant.
Genome position (GRCh38, 1-based): chrX:124,061,854, G>A. VCF-style: chrX-124061854-G-A. GRCh37 (hg19) VCF-style: chrX-123195704-G-A.
Other names: c.1618G>A, p.Gly540Arg (NM_001042749.2, NM_001042751.2, NM_001282418.2 and 13 more transcripts); short protein forms G540R.
Identifiers: ClinVar variation 2852045 (VCV002852045.3), dbSNP rs2521766542, ClinGen allele CA414279854.

ClinVar aggregate classification (germline): Uncertain significance (1 of 4 stars; one submission).

Submission:

Labcorp Genetics (formerly Invitae), Labcorp
Classification: Uncertain significance. Last evaluated: 2023-04-04. Review status: criteria provided, single submitter. Criteria: Invitae Variant Classification Sherloc (09022015). Collection method: clinical testing. Allele origin: germline.
Comment: Advanced modeling of protein sequence and biophysical properties (such as structural, functional, and spatial information, amino acid conservation, physicochemical variation, residue mobility, and thermodynamic stability) has been performed at Invitae for this missense variant, however the output from this modeling did not meet the statistical confidence thresholds required to predict the impact of this variant on STAG2 protein function. In summary, the available evidence is currently insufficient to determine the role of this variant in disease. Therefore, it has been classified as a Variant of Uncertain Significance. This variant has not been reported in the literature in individuals affected with STAG2-related conditions. This variant is not present in population databases (gnomAD no frequency). This sequence change replaces glycine, which is neutral and non-polar, with arginine, which is basic and polar, at codon 540 of the STAG2 protein (p.Gly540Arg).